The following is an entry in ClinVar:

NM_006180.6(NTRK2):c.1438G>T (p.Gly480Cys)

Gene: NTRK2 (neurotrophic receptor tyrosine kinase 2; plus strand). Cytogenetic location: 9q21.33.
Variant type: single nucleotide variant.
Coding change: c.1438G>T on transcript NM_006180.6 (MANE Select); coding-DNA position 1438, G replaced by T.
Protein change: p.Gly480Cys; replaces glycine 480 with cysteine.
Molecular consequence: missense variant. On other transcripts: intron variant (7).
Genome position (GRCh38, 1-based): chr9:84,861,081, G>T. VCF-style: chr9-84861081-G-T. GRCh37 (hg19) VCF-style: chr9-87475996-G-T.
Other names: c.1438G>T, p.Gly480Cys (NM_001018065.2, NM_001369537.1, NM_001381928.1); c.970G>T, p.Gly324Cys (NM_001369536.1); c.1397-6162G>T (NM_001369532.1, NM_001369533.1, NM_001018066.3 and 2 more transcripts); c.1361-6162G>T (NM_001369534.1); c.929-6162G>T (NM_001369535.1); short protein forms G480C, G324C.
Identifiers: ClinVar variation 2815857 (VCV002815857.3), dbSNP rs759119016, ClinGen allele CA374010532.
Genomic context (GRCh38, chr9:84,861,081, plus strand): 5'-GTTTTGTTGTGGTTTTCAGATTTCTCATGGTTTGGATTTGGGAAAGTAAAATCAAGACAA[G>T]GTGTTGGTAAGTAGTTAACTCACTCCTTCTTTGGATAAGTAATGAGTCTATGTTTTTATT-3'
Protein context (NP_006171.2, residues 470-490): FGFGKVKSRQ[Gly480Cys]VGPASVISND

ClinVar aggregate classification (germline): Uncertain significance (1 of 4 stars; one submission).

Submission:

Labcorp Genetics (formerly Invitae), Labcorp
Classification: Uncertain significance. Last evaluated: 2022-11-23. Review status: criteria provided, single submitter. Criteria: Invitae Variant Classification Sherloc (09022015). Collection method: clinical testing. Allele origin: germline.
Comment: In summary, the available evidence is currently insufficient to determine the role of this variant in disease. Therefore, it has been classified as a Variant of Uncertain Significance. Advanced modeling of protein sequence and biophysical properties (such as structural, functional, and spatial information, amino acid conservation, physicochemical variation, residue mobility, and thermodynamic stability) performed at Invitae indicates that this missense variant is not expected to disrupt NTRK2 protein function. This variant has not been reported in the literature in individuals affected with NTRK2-related conditions. This variant is not present in population databases (gnomAD no frequency). This sequence change replaces glycine, which is neutral and non-polar, with cysteine, which is neutral and slightly polar, at codon 480 of the NTRK2 protein (p.Gly480Cys).